The following is an entry in ClinVar:

ClinVar aggregate classification (germline): Uncertain significance. Review status: criteria provided, multiple submitters, no conflicts (2 of 4 stars). 4 submissions from 4 submitters: Uncertain significance (4). Last evaluated 2024-08-15.

Conditions:
Cardiovascular phenotype. Identifiers: MedGen CN230736.
Hypertrophic cardiomyopathy 6. Identifiers: MedGen C1833236, MONDO:0010946, OMIM 600858.
Lethal congenital glycogen storage disease of heart. Also called: GLYCOGEN STORAGE DISEASE OF HEART; PHOSPHORYLASE KINASE DEFICIENCY OF HEART. Identifiers: Orphanet 439854, MedGen C1849813, MONDO:0009867, OMIM 261740.

gnomAD v4.1: 1 of 1,612,884 alleles (0.000062%); highest among the groups gnomAD compares: African/African-American, 0.0013%; no homozygotes.

Submissions (4):

Ambry Genetics
Classification: Uncertain significance for Cardiovascular phenotype. Last evaluated: 2024-08-15. Review status: criteria provided, single submitter. Criteria: Ambry Variant Classification Scheme 2023. Collection method: clinical testing. Allele origin: germline.
Comment: The p.D49E variant (also known as c.147C>A), located in coding exon 2 of the PRKAG2 gene, results from a C to A substitution at nucleotide position 147. The aspartic acid at codon 49 is replaced by glutamic acid, an amino acid with highly similar properties. This amino acid position is highly conserved in available vertebrate species. In addition, the in silico prediction for this alteration is inconclusive. Based on the available evidence, the clinical significance of this variant remains unclear.

New York Genome Center
Classification: Uncertain significance for Hypertrophic cardiomyopathy 6. Last evaluated: 2023-07-27. Review status: criteria provided, single submitter. Criteria: NYGC Assertion Criteria 2020. Collection method: clinical testing. Allele origin: germline. Observed: 1 heterozygote.
Comment: The c.147C>A, p.(Asp49Glu) variant identified in the PRKAG2 gene is located on exon 2 of this 16-exon gene and substitutes an Aspartic Acid for a Glutamic acid at amino acid position 49 of the encoded protein. This variant is observed in 3 heterozygous alleles (with 0 homozygotes) in population databases (gnomAD v2.1.1, gnomADv3.1.2, TOPMed Freeze 8), suggesting it is not a common benign variant in the populations represented in those databases. This variant has been deposited on ClinVar as a Variant of Uncertain Significance (ClinVar: 998887) by two submitters. To our current knowledge this variant has not been reported in affected individuals in the literature. In silico algorithms are inconclusive of the damaging effect of this variant on protein function (REVEL score: 0.481). Functional studies are not available to provide more information about the variant’s damaging effect. Based on available evidence this c.147C>A, p.(Asp49Glu) variant identified in the PRKAG2 gene is classified as a Variant of Uncertain Significance.

GeneDx
Classification: Uncertain significance. Last evaluated: 2023-01-10. Review status: criteria provided, single submitter. Criteria: GeneDx Variant Classification Process June 2021. Collection method: clinical testing. Allele origin: germline. Affected: yes.
Comment: Not observed at significant frequency in large population cohorts (gnomAD); In silico analysis supports that this missense variant does not alter protein structure/function; Has not been previously published as pathogenic or benign to our knowledge

Labcorp Genetics (formerly Invitae), Labcorp
Classification: Uncertain significance for Lethal congenital glycogen storage disease of heart. Last evaluated: 2022-08-09. Review status: criteria provided, single submitter. Criteria: Invitae Variant Classification Sherloc (09022015). Collection method: clinical testing. Allele origin: germline.
Comment: This sequence change replaces aspartic acid, which is acidic and polar, with glutamic acid, which is acidic and polar, at codon 49 of the PRKAG2 protein (p.Asp49Glu). This variant is not present in population databases (gnomAD no frequency). This variant has not been reported in the literature in individuals affected with PRKAG2-related conditions. ClinVar contains an entry for this variant (Variation ID: 998887). Advanced modeling of protein sequence and biophysical properties (such as structural, functional, and spatial information, amino acid conservation, physicochemical variation, residue mobility, and thermodynamic stability) performed at Invitae indicates that this missense variant is not expected to disrupt PRKAG2 protein function. Algorithms developed to predict the effect of sequence changes on RNA splicing suggest that this variant may create or strengthen a splice site. In summary, the available evidence is currently insufficient to determine the role of this variant in disease. Therefore, it has been classified as a Variant of Uncertain Significance.

NM_016203.4(PRKAG2):c.147C>A (p.Asp49Glu)

Gene: PRKAG2 (protein kinase AMP-activated non-catalytic subunit gamma 2; minus strand). Cytogenetic location: 7q36.1.
Variant type: single nucleotide variant.
Coding change: c.147C>A on transcript NM_016203.4 (MANE Select); coding-DNA position 147, C replaced by A.
Protein change: p.Asp49Glu; replaces aspartic acid 49 with glutamic acid.
Molecular consequence: missense variant.
Genome position (GRCh38, 1-based): chr7:151,786,509, G>T on the plus strand (C>A on the coding strand, the complement: PRKAG2 is on the minus strand). VCF-style: chr7-151786509-G-T. GRCh37 (hg19) VCF-style: chr7-151483595-G-T.
Other names: c.15C>A, p.Asp5Glu (NM_001040633.2); c.147C>A (NM_016203.3); short protein forms D49E, D5E.
Identifiers: ClinVar variation 998887 (VCV000998887.8), dbSNP rs761196275, ClinGen allele CA169174481.